The following is an entry in ClinVar:

ClinVar aggregate classification (germline): Uncertain significance. Review status: criteria provided, multiple submitters, no conflicts (2 of 4 stars). 5 submissions from 5 submitters: Uncertain significance (4). 1 of the submissions does not count toward it. Last evaluated 2026-02-15.

Conditions:
MYO7A-related disorder. Also called: MYO7A-related disorders.
Retinal dystrophy. Also called: Inherited retinal dystrophy. Identifiers: Orphanet 71862, MedGen C0854723, MeSH D058499, MONDO:0019118, HP:0000556.
Inborn genetic diseases. Identifiers: MedGen C0950123, MeSH D030342.

Submissions (5):

PreventionGenetics, part of Exact Sciences
Classification: Uncertain significance for MYO7A-related condition. Last evaluated: 2026-02-15. Review status: criteria provided, single submitter. Criteria: ACMG Guidelines, 2015. Collection method: clinical testing. Allele origin: germline.
Comment: The MYO7A c.2050C>T variant is predicted to result in the amino acid substitution p.Arg684Trp. To our knowledge, this variant has not been reported in the literature. This variant is reported in 0.020% of alleles in individuals of East Asian descent in gnomAD. At this time, the clinical significance of this variant is uncertain due to the absence of conclusive functional and genetic evidence.

Ambry Genetics
Classification: Uncertain significance for Inborn genetic diseases. Last evaluated: 2025-09-09. Review status: criteria provided, single submitter. Criteria: Ambry Variant Classification Scheme 2023. Collection method: clinical testing. Allele origin: germline.

Labcorp Genetics (formerly Invitae), Labcorp
Classification: Uncertain significance. Last evaluated: 2025-07-09. Review status: criteria provided, single submitter. Criteria: Invitae Variant Classification Sherloc (09022015). Collection method: clinical testing. Allele origin: germline.
Comment: This sequence change replaces arginine, which is basic and polar, with tryptophan, which is neutral and slightly polar, at codon 684 of the MYO7A protein (p.Arg684Trp). This variant is present in population databases (rs782570489, gnomAD 0.02%). This variant has not been reported in the literature in individuals affected with MYO7A-related conditions. ClinVar contains an entry for this variant (Variation ID: 3249239). Invitae Evidence Modeling of protein sequence and biophysical properties (such as structural, functional, and spatial information, amino acid conservation, physicochemical variation, residue mobility, and thermodynamic stability) indicates that this missense variant is expected to disrupt MYO7A protein function with a positive predictive value of 95%. In summary, the available evidence is currently insufficient to determine the role of this variant in disease. Therefore, it has been classified as a Variant of Uncertain Significance.

Revvity Omics, Revvity
Classification: Uncertain significance. Last evaluated: 2024-08-19. Review status: criteria provided, single submitter. Criteria: ACMG Guidelines, 2015. Collection method: clinical testing. Allele origin: germline.

Institute of Human Genetics, Univ. Regensburg, Univ. Regensburg
Classification: Uncertain significance for Retinal dystrophy. Last evaluated: 2022-01-01. Review status: no assertion criteria provided. Criteria: ACMG Guidelines, 2015. Collection method: clinical testing. Allele origin: germline. Affected: yes. Not counted in ClinVar's aggregate classification.

NM_000260.4(MYO7A):c.2050C>T (p.Arg684Trp)

Gene: MYO7A (myosin VIIA; plus strand). Cytogenetic location: 11q13.5.
Variant type: single nucleotide variant.
Coding change: c.2050C>T on transcript NM_000260.4 (MANE Select); coding-DNA position 2050, C replaced by T.
Protein change: p.Arg684Trp; replaces arginine 684 with tryptophan.
Molecular consequence: missense variant.
Genome position (GRCh38, 1-based): chr11:77,174,870, C>T. VCF-style: chr11-77174870-C-T. GRCh37 (hg19) VCF-style: chr11-76885916-C-T.
Other names: c.2050C>T, p.Arg684Trp (NM_001127180.2); c.2017C>T, p.Arg673Trp (NM_001369365.1); c.2050C>T (NM_000260.3); short protein forms R673W, R684W.
Identifiers: ClinVar variation 3249239 (VCV003249239.6).